The following is an entry in ClinVar:

ClinVar aggregate classification (germline): Uncertain significance (1 of 4 stars; one submission).

Conditions:
Cardiovascular phenotype. Identifiers: MedGen CN230736.

Submission:

Ambry Genetics
Classification: Uncertain significance for Cardiovascular phenotype. Last evaluated: 2025-01-27. Review status: criteria provided, single submitter. Criteria: Ambry Variant Classification Scheme 2023. Collection method: clinical testing. Allele origin: germline.
Comment: The p.T152I variant (also known as c.455C>T), located in coding exon 3 of the CBL gene, results from a C to T substitution at nucleotide position 455. The threonine at codon 152 is replaced by isoleucine, an amino acid with similar properties. This amino acid position is conserved. In addition, this alteration is predicted to be deleterious by in silico analysis. Based on the available evidence, the clinical significance of this variant remains unclear.

NM_005188.4(CBL):c.455C>T (p.Thr152Ile)

Gene: CBL (Cbl proto-oncogene; plus strand). Cytogenetic location: 11q23.3.
Variant type: single nucleotide variant.
Coding change: c.455C>T on transcript NM_005188.4 (MANE Select); coding-DNA position 455, C replaced by T.
Protein change: p.Thr152Ile; replaces threonine 152 with isoleucine.
Molecular consequence: missense variant.
Genome position (GRCh38, 1-based): chr11:119,271,746, C>T. VCF-style: chr11-119271746-C-T. GRCh37 (hg19) VCF-style: chr11-119142456-C-T.
Other names: short protein forms T152I.
Identifiers: ClinVar variation 3827824 (VCV003827824.1).